The following is an entry in ClinVar:

ClinVar aggregate classification (germline): Uncertain significance (1 of 4 stars; one submission).

Conditions:
Agammaglobulinemia 7, autosomal recessive (AGM7). Also called: AGAMMAGLOBULINEMIA, AUTOSOMAL RECESSIVE, DUE TO PIK3R1 DEFECT. Identifiers: MedGen C3554689, MONDO:0014083, OMIM 615214.
SHORT syndrome. Also called: LIPODYSTROPHY, PARTIAL, WITH RIEGER ANOMALY AND SHORT STATURE; SHORT STATURE, HYPEREXTENSIBILITY, HERNIA, OCULAR DEPRESSION, RIEGER ANOMALY, AND TEETHING DELAY; PIK3R1-Related SHORT Syndrome. Identifiers: Orphanet 3163, MedGen C0878684, MONDO:0010026, OMIM 269880.
Immunodeficiency 36 with lymphoproliferation. Also called: Activated PI3K Delta Syndrome Type 2 (APDS2); Immunodeficiency 36; ACTIVATED PI3K-DELTA SYNDROME 2. Identifiers: Orphanet 397596, Orphanet 693681, MedGen C4014934, MONDO:0014453, OMIM 616005.

Submission:

Labcorp Genetics (formerly Invitae), Labcorp
Classification: Uncertain significance for SHORT syndrome; Immunodeficiency 36 with lymphoproliferation; Agammaglobulinemia 7, autosomal recessive. Last evaluated: 2019-12-03. Review status: criteria provided, single submitter. Criteria: Invitae Variant Classification Sherloc (09022015). Collection method: clinical testing. Allele origin: germline.
Comment: In summary, the available evidence is currently insufficient to determine the role of this variant in disease. Therefore, it has been classified as a Variant of Uncertain Significance. This sequence change replaces glutamine with leucine at codon 241 of the PIK3R1 protein (p.Gln241Leu). The glutamine residue is moderately conserved and there is a moderate physicochemical difference between glutamine and leucine. This variant is not present in population databases (ExAC no frequency). This variant has not been reported in the literature in individuals with PIK3R1-related conditions. Algorithms developed to predict the effect of missense changes on protein structure and function are either unavailable or do not agree on the potential impact of this missense change (SIFT: "Deleterious"; PolyPhen-2: "Benign"; Align-GVGD: "Class C0").

NM_181523.3(PIK3R1):c.722A>T (p.Gln241Leu)

Gene: PIK3R1 (phosphoinositide-3-kinase regulatory subunit 1; plus strand). Cytogenetic location: 5q13.1.
Variant type: single nucleotide variant.
Coding change: c.722A>T on transcript NM_181523.3 (MANE Select); coding-DNA position 722, A replaced by T.
Protein change: p.Gln241Leu; replaces glutamine 241 with leucine.
Molecular consequence: missense variant.
Genome position (GRCh38, 1-based): chr5:68,280,615, A>T. VCF-style: chr5-68280615-A-T. GRCh37 (hg19) VCF-style: chr5-67576443-A-T.
Other names: short protein forms Q241L.
Identifiers: ClinVar variation 841166 (VCV000841166.10), dbSNP rs1746794995, ClinGen allele CA359875311.
Genomic context (GRCh38, chr5:68,280,615, plus strand): 5'-AGCTATTGAAGAAGCTTATTAGGTCGCCTAGCATACCTCATCAGTATTGGCTTACGCTTC[A>T]GTATTTGTTAAAACATTTCTTCAAGCTCTCTCAAACCTCCAGCAAAAATCTGTTGAATGC-3'
Protein context (NP_852664.1, residues 231-251): SIPHQYWLTL[Gln241Leu]YLLKHFFKLS